The following is an entry in ClinVar:

ClinVar aggregate classification (germline): Likely benign. Review status: criteria provided, multiple submitters, no conflicts (2 of 4 stars). 4 submissions from 4 submitters: Likely benign (4). Last evaluated 2025-10-02.

Conditions:
Combined oxidative phosphorylation defect type 11. Also called: ENCEPHALONEUROMYOPATHY, INFANTILE, DUE TO MITOCHONDRIAL TRANSLATION DEFECT; Combined oxidative phosphorylation deficiency 11. Identifiers: Orphanet 324535, MedGen C5190991, MONDO:0013969, OMIM 614922.

Allele frequency attached by ClinVar (database versions not stated): gnomAD exomes 0.00002 and 0.00004; ExAC 0.00003; gnomAD 0.00011; TOPMed 0.00023.

Submissions (4):

Labcorp Genetics (formerly Invitae), Labcorp
Classification: Likely benign. Last evaluated: 2025-10-02. Review status: criteria provided, single submitter. Criteria: Invitae Variant Classification Sherloc (09022015). Collection method: clinical testing. Allele origin: germline.

Women's Health and Genetics/Laboratory Corporation of America, LabCorp
Classification: Likely benign. Last evaluated: 2024-03-07. Review status: criteria provided, single submitter. Criteria: LabCorp Variant Classification Summary - May 2015. Collection method: clinical testing. Allele origin: germline.

Fulgent Genetics
Classification: Likely benign for Combined oxidative phosphorylation defect type 11. Last evaluated: 2022-04-05. Review status: criteria provided, single submitter. Criteria: ACMG Guidelines, 2015. Collection method: clinical testing. Allele origin: unknown.

GeneDx
Classification: Likely benign. Last evaluated: 2017-01-26. Review status: criteria provided, single submitter. Criteria: GeneDx Variant Classification (06012015). Collection method: clinical testing. Allele origin: germline. Affected: yes.
Comment: This variant is considered likely benign or benign based on one or more of the following criteria: it is a conservative change, it occurs at a poorly conserved position in the protein, it is predicted to be benign by multiple in silico algorithms, and/or has population frequency not consistent with disease.

NM_017909.4(RMND1):c.690-20C>G

Gene: RMND1 (required for meiotic nuclear division 1 homolog; minus strand). Cytogenetic location: 6q25.1.
Variant type: single nucleotide variant.
Coding change: c.690-20C>G on transcript NM_017909.4 (MANE Select); 20 bases into the intron before coding-DNA position 690, C replaced by G.
Molecular consequence: intron variant.
Genome position (GRCh38, 1-based): chr6:151,430,197, G>C on the plus strand (C>G on the coding strand, the complement: RMND1 is on the minus strand). VCF-style: chr6-151430197-G-C. GRCh37 (hg19) VCF-style: chr6-151751332-G-C.
Other names: c.180-20C>G (NM_001271937.2).
Identifiers: ClinVar variation 506866 (VCV000506866.11), dbSNP rs770275231, ClinGen allele CA4050947.